The following is an entry in ClinVar:

NM_206933.4(USH2A):c.4627+1038T>C

Gene: USH2A (usherin; minus strand). Cytogenetic location: 1q41.
Variant type: single nucleotide variant.
Coding change: c.4627+1038T>C on transcript NM_206933.4 (MANE Select); 1038 bases into the intron after coding-DNA position 4627, T replaced by C.
Molecular consequence: intron variant. On other transcripts: 3 prime UTR variant (1).
Genome position (GRCh38, 1-based): chr1:216,174,214, A>G on the plus strand (T>C on the coding strand, the complement: USH2A is on the minus strand). VCF-style: chr1-216174214-A-G. GRCh37 (hg19) VCF-style: chr1-216347556-A-G.
Other names: c.*1024T>C (NM_007123.6).
Identifiers: ClinVar variation 295407 (VCV000295407.6), dbSNP rs439940, ClinGen allele CA10609038.
Genomic context (GRCh38, chr1:216,174,214, plus strand): 5'-AAGTAAAAATAAAACAATACAAATTTTTATAGCTCGAATTCCATTTCATTGTCTTCACAT[A>G]TGCAATATTTTAAAGACTAGCTATTTGCTCCAAAATGACTTTCTCATGGATGATTAAATG-3'

ClinVar aggregate classification (germline): Benign. Review status: criteria provided, multiple submitters, no conflicts (2 of 4 stars). 3 submissions from 2 submitters: Benign (3). Last evaluated 2018-01-13.

Conditions:
Retinitis pigmentosa (RP). Identifiers: Orphanet 791, MedGen C0035334, MeSH D012174, MONDO:0019200, OMIM 268000. Inheritance: Autosomal dominant, autosomal recessive and X linked inheritance.
Usher syndrome type 2A. Also called: USHER SYNDROME, TYPE IIA; RETINAL DISEASE IN USHER SYNDROME TYPE IIA, MODIFIER OF. Identifiers: Orphanet 231178, Orphanet 886, MedGen C1848634, MONDO:0010169, OMIM 276901.

Allele frequency attached by ClinVar (database versions not stated): 1000 Genomes Project 30x 0.19300; 1000 Genomes Project 0.19529; gnomAD 0.20332 and 0.20450; TOPMed 0.20359; gnomAD exomes 0.23057.
gnomAD v4.1: 222,717 of 984,418 alleles (23%); highest among the groups gnomAD compares: Non-Finnish European, 23%; 25,438 homozygotes.

Submissions (3):

Illumina Laboratory Services, Illumina
Classification: Benign for Usher syndrome type 2A. Last evaluated: 2018-01-13. Review status: criteria provided, single submitter. Criteria: ICSL Variant Classification Criteria 13 December 2019. Collection method: clinical testing. Allele origin: germline.
Comment: This variant was observed in the ICSL laboratory as part of a predisposition screen in an ostensibly healthy population. It had not been previously curated by ICSL or reported in the Human Gene Mutation Database (HGMD: prior to June 1st, 2018), and was therefore a candidate for classification through an automated scoring system. Utilizing variant allele frequency, disease prevalence and penetrance estimates, and inheritance mode, an automated score was calculated to assess if this variant is too frequent to cause the disease. Based on the score and internal cut-off values, a variant classified as benign is not then subjected to further curation. The score for this variant resulted in a classification of benign for this disease.

Illumina Laboratory Services, Illumina
Classification: Benign for Retinitis pigmentosa. Last evaluated: 2018-01-13. Review status: criteria provided, single submitter. Criteria: ICSL Variant Classification Criteria 13 December 2019. Collection method: clinical testing. Allele origin: germline.
Comment: the same text as in the submission from Illumina Laboratory Services, Illumina above.

Breakthrough Genomics
Classification: Benign. Review status: criteria provided, single submitter. Criteria: ACMG Guidelines, 2015. Collection method: not provided. Allele origin: germline. Inheritance: Autosomal recessive inheritance. Affected: yes.